The following is an entry in ClinVar:

NC_000005.10:g.112850827A>T

Variant type: single nucleotide variant.
Genome position: GRCh38 VCF-style: chr5-112850827-A-T. GRCh37 (hg19) VCF-style: chr5-112186524-A-T.
Identifiers: ClinVar variation 82662 (VCV000082662.3), dbSNP rs78513107, ClinGen allele CA250802.

ClinVar aggregate classification (germline): other (0 of 4 stars; one submission).

Conditions:
Familial colorectal cancer. Identifiers: MedGen CN280943, MONDO:0023113. Disease mechanism: loss of function.

Submission:

Systems Biology Platform Zhejiang California International NanoSystems Institute
Classification: other for Familial colorectal cancer. Review status: no assertion criteria provided. Collection method: not provided. Allele origin: unknown.
ClinVar note: Converted during submission from cancer to other.